The following is an entry in ClinVar:

ClinVar aggregate classification (germline): Uncertain significance (1 of 4 stars; one submission).

Submission:

Labcorp Genetics (formerly Invitae), Labcorp
Classification: Uncertain significance. Last evaluated: 2025-11-25. Review status: criteria provided, single submitter. Criteria: Invitae Variant Classification Sherloc (09022015). Collection method: clinical testing. Allele origin: germline.
Comment: This sequence change affects the initiator codon of the MAGEL2 mRNA. This change may impact translation initiation or efficiency. The next in-frame methionine is located at codon 30. This variant is not present in population databases (gnomAD no frequency). This variant has not been reported in the literature in individuals affected with MAGEL2-related conditions. Experimental studies and prediction algorithms are not available or were not evaluated, and the functional significance of this variant is currently unknown. In summary, the available evidence is currently insufficient to determine the role of this variant in disease. Therefore, it has been classified as a Variant of Uncertain Significance.

NM_019066.5(MAGEL2):c.1A>G (p.Met1Val)

Gene: MAGEL2 (MAGE family member L2; minus strand). Cytogenetic location: 15q11.2.
Variant type: single nucleotide variant.
Coding change: c.1A>G on transcript NM_019066.5 (MANE Select); coding-DNA position 1, A replaced by G.
Protein change: p.Met1Val; changes the start codon (methionine 1).
Molecular consequence: missense variant, initiator codon variant.
Genome position (GRCh38, 1-based): chr15:23,647,742, T>C on the plus strand (A>G on the coding strand, the complement: MAGEL2 is on the minus strand). VCF-style: chr15-23647742-T-C. GRCh37 (hg19) VCF-style: chr15-23892889-T-C.
Other names: short protein forms M1V.
Identifiers: ClinVar variation 4762955 (VCV004762955.1).